The following is an entry in ClinVar:

NM_024928.5(STN1):c.620T>G (p.Leu207Trp)

Gene: STN1 (STN1 subunit of CST complex; minus strand). Cytogenetic location: 10q24.33.
Variant type: single nucleotide variant.
Coding change: c.620T>G on transcript NM_024928.5 (MANE Select); coding-DNA position 620, T replaced by G.
Protein change: p.Leu207Trp; replaces leucine 207 with tryptophan.
Molecular consequence: missense variant.
Genome position (GRCh38, 1-based): chr10:103,897,681, A>C on the plus strand (T>G on the coding strand, the complement: STN1 is on the minus strand). VCF-style: chr10-103897681-A-C. GRCh37 (hg19) VCF-style: chr10-105657439-A-C.
Other names: short protein forms L207W.
Identifiers: ClinVar variation 3705582 (VCV003705582.2).
Genomic context (GRCh38, chr10:103,897,681, plus strand): 5'-TGCTGGTAAAAGCTCTGCACTCTGTTCTCCATGAGGAATTCTTTGGCTTTTTCACTCAGC[A>C]AACTCGTGAGACTGGGGAGGTCCAGGGCGCCTGGATTGCTGCGGAGGGAAAGTTTTAAAG-3'
Protein context (NP_079204.2, residues 197-217): GALDLPSLTS[Leu207Trp]LSEKAKEFLM

ClinVar aggregate classification (germline): Uncertain significance (1 of 4 stars; one submission).

gnomAD v4.1: 41 of 1,614,082 alleles (0.0025%); highest among the groups gnomAD compares: Non-Finnish European, 0.0032%; no homozygotes.

Submission:

Labcorp Genetics (formerly Invitae), Labcorp
Classification: Uncertain significance. Last evaluated: 2025-12-15. Review status: criteria provided, single submitter. Criteria: Invitae Variant Classification Sherloc (09022015). Collection method: clinical testing. Allele origin: germline.
Comment: This sequence change replaces leucine, which is neutral and non-polar, with tryptophan, which is neutral and slightly polar, at codon 207 of the STN1 protein (p.Leu207Trp). This variant is present in population databases (rs528812123, gnomAD 0.002%). This variant has not been reported in the literature in individuals affected with STN1-related conditions. ClinVar contains an entry for this variant (Variation ID: 3705582). Invitae Evidence Modeling of protein sequence and biophysical properties (such as structural, functional, and spatial information, amino acid conservation, physicochemical variation, residue mobility, and thermodynamic stability) indicates that this missense variant is expected to disrupt STN1 protein function with a positive predictive value of 80%. In summary, the available evidence is currently insufficient to determine the role of this variant in disease. Therefore, it has been classified as a Variant of Uncertain Significance.